The following is an entry in ClinVar:

NM_003924.4(PHOX2B):c.610C>A (p.Pro204Thr)

Gene: PHOX2B (paired like homeobox 2B; minus strand). Cytogenetic location: 4p13.
Variant type: single nucleotide variant.
Coding change: c.610C>A on transcript NM_003924.4 (MANE Select); coding-DNA position 610, C replaced by A.
Protein change: p.Pro204Thr; replaces proline 204 with threonine.
Molecular consequence: missense variant.
Genome position (GRCh38, 1-based): chr4:41,746,142, G>T on the plus strand (C>A on the coding strand, the complement: PHOX2B is on the minus strand). VCF-style: chr4-41746142-G-T. GRCh37 (hg19) VCF-style: chr4-41748159-G-T.
Other names: c.610C>A (NM_003924.3); short protein forms P204T.
Identifiers: ClinVar variation 1496881 (VCV001496881.8), dbSNP rs1292727082, ClinGen allele CA356737748.

ClinVar aggregate classification (germline): Uncertain significance. Review status: criteria provided, multiple submitters, no conflicts (2 of 4 stars). 2 submissions from 2 submitters: Uncertain significance (2). Last evaluated 2023-06-07.

Conditions:
Hereditary cancer-predisposing syndrome. Also called: Tumor predisposition; Hereditary neoplastic syndrome; Neoplastic Syndromes, Hereditary; Hereditary Cancer Syndrome. Identifiers: Orphanet 140162, MedGen C0027672, MeSH D009386, MONDO:0015356.
Haddad syndrome (OHD). Also called: Ondine-Hirschsprung disease. Identifiers: Orphanet 99803, MedGen C1859049, MONDO:0020493.

Submissions (2):

Ambry Genetics
Classification: Uncertain significance for Hereditary cancer-predisposing syndrome. Last evaluated: 2023-06-07. Review status: criteria provided, single submitter. Criteria: Ambry Variant Classification Scheme 2023. Collection method: clinical testing. Allele origin: germline.
Comment: The p.P204T variant (also known as c.610C>A), located in coding exon 3 of the PHOX2B gene, results from a C to A substitution at nucleotide position 610. The proline at codon 204 is replaced by threonine, an amino acid with highly similar properties. This amino acid position is conserved. In addition, this alteration is predicted to be tolerated by in silico analysis. Since supporting evidence is limited at this time, the clinical significance of this alteration remains unclear.

Labcorp Genetics (formerly Invitae), Labcorp
Classification: Uncertain significance for Haddad syndrome. Last evaluated: 2022-10-13. Review status: criteria provided, single submitter. Criteria: Invitae Variant Classification Sherloc (09022015). Collection method: clinical testing. Allele origin: germline.
Comment: In summary, the available evidence is currently insufficient to determine the role of this variant in disease. Therefore, it has been classified as a Variant of Uncertain Significance. Advanced modeling of protein sequence and biophysical properties (such as structural, functional, and spatial information, amino acid conservation, physicochemical variation, residue mobility, and thermodynamic stability) performed at Invitae indicates that this missense variant is not expected to disrupt PHOX2B protein function. ClinVar contains an entry for this variant (Variation ID: 1496881). This variant has not been reported in the literature in individuals affected with PHOX2B-related conditions. This variant is not present in population databases (gnomAD no frequency). This sequence change replaces proline, which is neutral and non-polar, with threonine, which is neutral and polar, at codon 204 of the PHOX2B protein (p.Pro204Thr).